The following is an entry in ClinVar:

NM_015057.5(MYCBP2):c.8234A>G (p.Asp2745Gly)

Gene: MYCBP2 (MYC binding protein 2; minus strand). Cytogenetic location: 13q22.3.
Variant type: single nucleotide variant.
Coding change: c.8234A>G on transcript NM_015057.5 (MANE Select); coding-DNA position 8234, A replaced by G.
Protein change: p.Asp2745Gly; replaces aspartic acid 2745 with glycine.
Molecular consequence: missense variant.
Genome position (GRCh38, 1-based): chr13:77,098,920, T>C on the plus strand (A>G on the coding strand, the complement: MYCBP2 is on the minus strand). VCF-style: chr13-77098920-T-C. GRCh37 (hg19) VCF-style: chr13-77673055-T-C.
Other names: short protein forms D2745G.
Identifiers: ClinVar variation 4975991 (VCV004975991.1).
Genomic context (GRCh38, chr13:77,098,920, plus strand): 5'-GATAAACTTTCTGTGCCCCTTGGCTTCTTCTGATCAGCAGTAGTCCGGCTCATACGTCCA[T>C]CAGGTTTAAGCGATCTGCTGTGTTTAGAGGACAGCTCTGATTTTCCTGATGTAGAGGCTG-3'
Protein context (NP_055872.4, residues 2735-2755): SSKHSRSLKP[Asp2745Gly]GRMSRTTADQ

ClinVar aggregate classification (germline): Uncertain significance (1 of 4 stars; one submission).

gnomAD v4.1: 2 of 1,613,674 alleles (0.00012%); highest among the groups gnomAD compares: Non-Finnish European, 0.00017%; no homozygotes.

Submission:

GeneDx
Classification: Uncertain significance. Last evaluated: 2026-02-02. Review status: criteria provided, single submitter. Criteria: GeneDx Variant Classification Process June 2021. Collection method: clinical testing. Allele origin: germline.
Comment: Not observed at significant frequency in large population cohorts (gnomAD); In silico analysis supports that this missense variant has a deleterious effect on protein structure/function; Has not been previously published as pathogenic or benign to our knowledge